The following is an entry in ClinVar:

NM_016169.4(SUFU):c.1022del (p.Pro341fs)

Gene: SUFU (SUFU negative regulator of hedgehog signaling; plus strand). Cytogenetic location: 10q24.32.
Variant type: Deletion.
Coding change: c.1022del on transcript NM_016169.4 (MANE Select); coding-DNA position 1022, one base deleted (C; older notation c.1022delC).
Protein change: p.Pro341fs; shifts the reading frame from proline 341.
Molecular consequence: frameshift variant.
Genome position (GRCh38, 1-based): chr10:102,599,544, C deleted; the last of 4 consecutive C bases (chr10:102,599,541-102,599,544); deleting any one gives the same sequence. VCF-style (leftmost placement, unchanged base first): chr10-102599540-GC-G. GRCh37 (hg19) VCF-style: chr10-104359297-GC-G.
Other names: c.1022del, p.Pro341fs (NM_001178133.2); short protein forms P341fs.
Identifiers: ClinVar variation 2562345 (VCV002562345.5), dbSNP rs2135889249, ClinGen allele CA2580616861.

ClinVar aggregate classification (germline): Pathogenic. Review status: criteria provided, multiple submitters, no conflicts (2 of 4 stars). 2 submissions from 2 submitters: Pathogenic (2). Last evaluated 2023-11-07.

Conditions:
Gorlin syndrome. Also called: Nevoid Basal Cell Carcinoma Syndrome; Basal cell nevus syndrome. Identifiers: Orphanet 377, MedGen C0004779, MONDO:0007187.
Medulloblastoma (MDB). Also called: MEDULLOBLASTOMA PREDISPOSITION SYNDROME; Medulloblastoma, somatic. Identifiers: Orphanet 616, MedGen C0025149, MeSH D008527, MONDO:0007959, OMIM 155255, HP:0002885.
Hereditary cancer-predisposing syndrome. Also called: Tumor predisposition; Hereditary neoplastic syndrome; Neoplastic Syndromes, Hereditary; Hereditary Cancer Syndrome. Identifiers: Orphanet 140162, MedGen C0027672, MeSH D009386, MONDO:0015356.

Submissions (2):

Labcorp Genetics (formerly Invitae), Labcorp
Classification: Pathogenic for Gorlin syndrome; Medulloblastoma. Last evaluated: 2023-11-07. Review status: criteria provided, single submitter. Criteria: Invitae Variant Classification Sherloc (09022015). Collection method: clinical testing. Allele origin: germline.
Comment: This sequence change creates a premature translational stop signal (p.Pro341Argfs*20) in the SUFU gene. It is expected to result in an absent or disrupted protein product. Loss-of-function variants in SUFU are known to be pathogenic (PMID: 22508808, 25403219, 33024317). This variant is not present in population databases (gnomAD no frequency). This variant has not been reported in the literature in individuals affected with SUFU-related conditions. ClinVar contains an entry for this variant (Variation ID: 2562345). For these reasons, this variant has been classified as Pathogenic.

Ambry Genetics
Classification: Pathogenic for Hereditary cancer-predisposing syndrome. Last evaluated: 2023-05-11. Review status: criteria provided, single submitter. Criteria: Ambry Variant Classification Scheme 2023. Collection method: clinical testing. Allele origin: germline.
Comment: The c.1022delC pathogenic mutation, located in coding exon 8 of the SUFU gene, results from a deletion of one nucleotide at nucleotide position 1022, causing a translational frameshift with a predicted alternate stop codon (p.P341Rfs*20). This alteration is expected to result in loss of function by premature protein truncation or nonsense-mediated mRNA decay. As such, this alteration is interpreted as a disease-causing mutation.

Literature cited by the submitters: PubMed 22508808 (cited by Labcorp Genetics (formerly Invitae), Labcorp); PubMed 25403219 (cited by Labcorp Genetics (formerly Invitae), Labcorp); PubMed 33024317 (cited by Labcorp Genetics (formerly Invitae), Labcorp).